The following is an entry in ClinVar:

NM_001267550.2(TTN):c.49871G>A (p.Arg16624Gln)

Genes: TTN (titin; minus strand), TTN-AS1 (TTN antisense RNA 1; plus strand). Cytogenetic location: 2q31.2.
Variant type: single nucleotide variant.
Coding change: c.49871G>A on transcript NM_001267550.2 (MANE Select); coding-DNA position 49871, G replaced by A.
Protein change: p.Arg16624Gln; replaces arginine 16624 with glutamine.
Molecular consequence: missense variant.
Genome position (GRCh38, 1-based): chr2:178,612,850, C>T on the plus strand (G>A on the coding strand, the complement: TTN is on the minus strand). VCF-style: chr2-178612850-C-T. GRCh37 (hg19) VCF-style: chr2-179477577-C-T.
Other names: p.Arg14983Gln; c.44948G>A, p.Arg14983Gln (NM_001256850.1); c.22676G>A, p.Arg7559Gln (NM_003319.4); c.42167G>A, p.Arg14056Gln (NM_133378.4); c.23051G>A, p.Arg7684Gln (NM_133432.3); c.23252G>A, p.Arg7751Gln (NM_133437.4); short protein forms R14983Q, R14056Q, R16624Q, R7684Q, R7751Q, R7559Q.
Identifiers: ClinVar variation 281972 (VCV000281972.24), dbSNP rs367566671, ClinGen allele CA1994499.
Genomic context (GRCh38, chr2:178,612,850, plus strand): 5'-AGCACAGGGTCACTGGGTTCACTGGGTTCACTTTCCCCAGCCTTATTCACAGCTCTAACT[C>T]GGAATGAGTATTCCTGTCCTTCCATGAGCCCTGGGAGCAAGTGCTGAGTGGTGGGAACCC-3'
Protein context (NP_001254479.2, residues 16614-16634): GLMEGQEYSF[Arg16624Gln]VRAVNKAGES

ClinVar aggregate classification (germline): Conflicting classifications of pathogenicity. Review status: criteria provided, conflicting classifications (1 of 4 stars). 10 submissions from 10 submitters: Uncertain significance (6); Likely benign (3). 1 of the submissions does not count toward it. Last evaluated 2026-04-27.

Conditions:
Cardiovascular phenotype. Identifiers: MedGen CN230736.
TTN-related disorder. Also called: TTN-related condition; TTN-related disease; TTN-related disorders.
Autosomal recessive limb-girdle muscular dystrophy type 2J (LGMDR10). Also called: MUSCULAR DYSTROPHY, LIMB-GIRDLE, AUTOSOMAL RECESSIVE 10; Limb-girdle muscular dystrophy, type 2J. Identifiers: Orphanet 140922, MedGen C1837342, MONDO:0012127, OMIM 608807.
Dilated cardiomyopathy 1G (CMD1G). Identifiers: Orphanet 154, MedGen C1858763, MONDO:0011400, OMIM 604145.
Tip-toe gait. Also called: Toe walking. Identifiers: MedGen C0427144, HP:0030051.

Allele frequency attached by ClinVar (database versions not stated): gnomAD exomes 0.00007 and 0.00016; ExAC 0.00014; gnomAD 0.00015; ESP Exome Variant Server 0.00025; TOPMed 0.00025; 1000 Genomes Project 30x 0.00047; 1000 Genomes Project 0.00060.
gnomAD v4.1: 123 of 1,612,496 alleles (0.0076%); highest among the groups gnomAD compares: South Asian, 0.067%; no homozygotes.

Submissions (10):

PreventionGenetics, part of Exact Sciences
Classification: Uncertain significance for TTN-related condition. Last evaluated: 2026-04-27. Review status: criteria provided, single submitter. Criteria: ACMG Guidelines, 2015. Collection method: clinical testing. Allele origin: germline.
Comment: The TTN c.49871G>A variant is predicted to result in the amino acid substitution p.Arg16624Gln. This variant has been reported in an individual with hypertrophic cardiomyopathy (described as p.Arg7559Gln in Table S4, Lopes et al. 2013. PubMed ID: 23396983). This variant is reported in 0.085% of alleles in individuals of South Asian descent in gnomAD. Although we suspect that this variant may be benign, at this time, the clinical significance of this variant is uncertain due to the absence of conclusive functional and genetic evidence.

Women's Health and Genetics/Laboratory Corporation of America, LabCorp
Classification: Likely benign. Last evaluated: 2026-01-16. Review status: criteria provided, single submitter. Criteria: LabCorp Variant Classification Summary - May 2015. Collection method: clinical testing. Allele origin: germline.
Comment: Variant summary: TTN c.42167G>A (p.Arg14056Gln) results in a conservative amino acid change located in the A-band domain of the encoded protein sequence. Algorithms developed to predict the effect of missense changes on protein structure and function are either unavailable or do not agree on the potential impact of this missense change. The variant allele was found at a frequency of 0.00016 in 247470 control chromosomes, predominantly at a frequency of 0.00091 within the African or African-American subpopulation in the gnomAD database. The observed variant frequency within African or African-American control individuals in the gnomAD database exceeds the estimated maximal expected allele frequency for disease-causing variants in TTN. c.42167G>A has been observed in individual(s) affected with Hypertrophic Cardiomyopathy, without evidence for causality (Lopes_2013). These report(s) do not provide unequivocal conclusions about association of the variant with Dilated Cardiomyopathy. To our knowledge, no experimental evidence demonstrating an impact on protein function has been reported. The following publication has been ascertained in the context of this evaluation (PMID: 23396983). ClinVar contains an entry for this variant (Variation ID: 281972). Based on the evidence outlined above, the variant was classified as likely benign.

Mayo Clinic Laboratories, Mayo Clinic
Classification: Uncertain significance. Last evaluated: 2025-05-14. Review status: criteria provided, single submitter. Criteria: ACMG Guidelines, 2015. Collection method: clinical testing. Allele origin: germline. Observed: 1 variant allele.

GeneDx
Classification: Likely benign. Last evaluated: 2020-12-08. Review status: criteria provided, single submitter. Criteria: GeneDx Variant Classification Process June 2021. Collection method: clinical testing. Allele origin: germline. Affected: yes.

Athena Diagnostics
Classification: Likely benign. Last evaluated: 2020-06-25. Review status: criteria provided, single submitter. Criteria: Athena Diagnostics Criteria. Collection method: clinical testing. Allele origin: unknown.

Revvity Omics, Revvity
Classification: Uncertain significance. Last evaluated: 2019-08-14. Review status: criteria provided, single submitter. Criteria: ACMG Guidelines, 2015. Collection method: clinical testing. Allele origin: germline.

Ambry Genetics
Classification: Uncertain significance for Cardiovascular phenotype. Last evaluated: 2018-07-09. Review status: criteria provided, single submitter. Criteria: Ambry Variant Classification Scheme 2023. Collection method: clinical testing. Allele origin: germline.
Comment: The p.R7559Q variant (also known as c.22676G>A), located in coding exon 92 of the TTN gene, results from a G to A substitution at nucleotide position 22676. The arginine at codon 7559 is replaced by glutamine, an amino acid with highly similar properties. This amino acid position is highly conserved in available vertebrate species. In addition, the in silico prediction for this alteration is inconclusive. Since supporting evidence is limited at this time, the clinical significance of this alteration remains unclear.

Labcorp Genetics (formerly Invitae), Labcorp
Classification: Uncertain significance for Dilated cardiomyopathy 1G; Autosomal recessive limb-girdle muscular dystrophy type 2J. Last evaluated: 2017-06-02. Review status: criteria provided, single submitter. Criteria: Invitae Variant Classification Sherloc (09022015). Collection method: clinical testing. Allele origin: germline.

Eurofins Ntd Llc (ga)
Classification: Uncertain significance. Last evaluated: 2015-09-22. Review status: criteria provided, single submitter. Criteria: EGL Classification Definitions 2015. Collection method: clinical testing. Allele origin: germline. Observed: 1 variant allele, 1 heterozygote.

Practice for Gait Abnormalities, David Pomarino, Competency Network Toe Walking C/o Practice Pomarino
Classification: Likely pathogenic for Tip-toe gait. Review status: no assertion criteria provided. Collection method: clinical testing. Allele origin: germline. Affected: yes. Not counted in ClinVar's aggregate classification.
Comment: Myopathy refers to diseases that affect skeletal Muscles. These diseases attack muscle fibers, making muscles weak. Inherited myopathies are often caused by inheriting an abnormal gene mutation from a parent that causes the disease. Symptoms of congenital myopathies usually start at birth or in early childhood, but may not appear until the teen years or even later in adulthood. Congenital myopathies are somewhat unique compared with other inherited myopathies, as weakness typically affects all muscles and is often not progressive. Symptoms are: Muscle weakness, most commonly of upper arms and shoulders and thighs, muscle cramps, stiffness and spasms, fatigue with exertion and lack of energy. Our patients all walk on tiptoe, so they show similar symptoms. When we genetically test them with our toe walking panel, we find that around 90 per cent of them have a genetic variant that explains their toe walking. These can be assigned, for example, to the area of myopathies (such as variants of the COL6A3 gene), the area of hereditary neuropathies (such as variants of the KMT2C gene) or the area of metabolic diseases (such as variants of the PYGM gene). In a smaller group of patients with almost identical symptoms, no abnormality is found in the genes of our panel, but spastic paraplegia can be detected. In another small group of our toe walkers, no abnormalities can be detected in the genes analysed in our toe walking panel, nor do they suffer from spastic paraplegia, as is also the case with healthy children. In contrast to these, however, they show a tiptoe gait. These patients suffer from infantile cerebral palsy, in which toe walking can also be observed.

Literature cited by the submitters: PubMed 23396983 (cited by Women's Health and Genetics/Laboratory Corporation of America, LabCorp); PubMed 37091313 (cited by Practice for Gait Abnormalities, David Pomarino, Competency Network Toe Walking C/o Practice Pomarino).